The following is an entry in ClinVar:

ClinVar aggregate classification (germline): Uncertain significance. Review status: criteria provided, single submitter (1 of 4 stars). 2 submissions from 2 submitters: Uncertain significance (1). 1 of the submissions does not count toward it. Last evaluated 2022-06-04.

Conditions:
Congenital myasthenic syndrome 11. Also called: Myasthenic syndrome, congenital, 11, associated with acetylcholine receptor deficiency; MYASTHENIC SYNDROME, CONGENITAL, Ie. Identifiers: Orphanet 590, MedGen C4225367, MONDO:0014588, OMIM 616326.
Fetal akinesia deformation sequence 1 (FADS1). Also called: Fetal akinesia sequence; Pena-Shokeir syndrome type I. Identifiers: Orphanet 994, MedGen C1276035, MONDO:0100101, OMIM 208150, HP:0001989.
Congenital myasthenic syndrome (CMS). Also called: Congenital Myasthenic Syndromes. Identifiers: Orphanet 590, MedGen C0751882, MeSH D020294, MONDO:0018940.

Allele frequency attached by ClinVar (database versions not stated): TOPMed below 0.00001; gnomAD 0.00001; gnomAD exomes 0.00001.
gnomAD v4.1: 4 of 1,614,130 alleles (0.00025%); highest among the groups gnomAD compares: Non-Finnish European, 0.00034%; no homozygotes.

Submissions (2):

Labcorp Genetics (formerly Invitae), Labcorp
Classification: Uncertain significance for Congenital myasthenic syndrome 11; Fetal akinesia deformation sequence 1. Last evaluated: 2022-06-04. Review status: criteria provided, single submitter. Criteria: Invitae Variant Classification Sherloc (09022015). Collection method: clinical testing. Allele origin: germline.
Comment: This sequence change replaces glutamine, which is neutral and polar, with lysine, which is basic and polar, at codon 15 of the RAPSN protein (p.Gln15Lys). This variant is not present in population databases (gnomAD no frequency). This variant has not been reported in the literature in individuals affected with RAPSN-related conditions. ClinVar contains an entry for this variant (Variation ID: 651509). Algorithms developed to predict the effect of missense changes on protein structure and function (SIFT, PolyPhen-2, Align-GVGD) all suggest that this variant is likely to be tolerated. In summary, the available evidence is currently insufficient to determine the role of this variant in disease. Therefore, it has been classified as a Variant of Uncertain Significance.

Natera, Inc.
Classification: Uncertain significance for Congenital myasthenic syndrome. Last evaluated: 2021-01-12. Review status: no assertion criteria provided. Collection method: clinical testing. Allele origin: germline. Not counted in ClinVar's aggregate classification.

NM_005055.5(RAPSN):c.43C>A (p.Gln15Lys)

Gene: RAPSN (receptor associated protein of the synapse; minus strand). Cytogenetic location: 11p11.2.
Variant type: single nucleotide variant.
Coding change: c.43C>A on transcript NM_005055.5 (MANE Select); coding-DNA position 43, C replaced by A.
Protein change: p.Gln15Lys; replaces glutamine 15 with lysine.
Molecular consequence: missense variant.
Genome position (GRCh38, 1-based): chr11:47,448,922, G>T on the plus strand (C>A on the coding strand, the complement: RAPSN is on the minus strand). VCF-style: chr11-47448922-G-T. GRCh37 (hg19) VCF-style: chr11-47470474-G-T.
Other names: c.43C>A, p.Gln15Lys (NM_032645.5); short protein forms Q15K.
Identifiers: ClinVar variation 651509 (VCV000651509.7), dbSNP rs1326936118, ClinGen allele CA380337166.